The following is an entry in ClinVar:

ClinVar aggregate classification (germline): Pathogenic (1 of 4 stars; one submission).

Submission:

Labcorp Genetics (formerly Invitae), Labcorp
Classification: Pathogenic. Last evaluated: 2023-05-21. Review status: criteria provided, single submitter. Criteria: Invitae Variant Classification Sherloc (09022015). Collection method: clinical testing. Allele origin: germline.
Comment: For these reasons, this variant has been classified as Pathogenic. This variant has not been reported in the literature in individuals affected with MYO15A-related conditions. This variant is present in population databases (no rsID available, gnomAD 0.003%). This sequence change creates a premature translational stop signal (p.Pro1032Glnfs*26) in the MYO15A gene. It is expected to result in an absent or disrupted protein product. Loss-of-function variants in MYO15A are known to be pathogenic (PMID: 17546645).

Literature cited by the submitters: PubMed 17546645.

NM_016239.4(MYO15A):c.3095del (p.Pro1032fs)

Gene: MYO15A (myosin XVA; plus strand). Cytogenetic location: 17p11.2.
Variant type: Deletion.
Coding change: c.3095del on transcript NM_016239.4 (MANE Select); coding-DNA position 3095, one base deleted (C; older notation c.3095delC).
Protein change: p.Pro1032fs; shifts the reading frame from proline 1032.
Molecular consequence: frameshift variant.
Genome position (GRCh38, 1-based): chr17:18,121,895, C deleted; the last of 4 consecutive C bases (chr17:18,121,892-18,121,895); deleting any one gives the same sequence. VCF-style (leftmost placement, unchanged base first): chr17-18121891-AC-A. GRCh37 (hg19) VCF-style: chr17-18025205-AC-A.
Other names: short protein forms P1032fs.
Identifiers: ClinVar variation 2864287 (VCV002864287.3), dbSNP rs1256094664, ClinGen allele CA625315052.